The following is an entry in ClinVar:

NM_001211.6(BUB1B):c.110T>A (p.Ile37Asn)

Gene: BUB1B (BUB1 mitotic checkpoint serine/threonine kinase B; plus strand). Cytogenetic location: 15q15.1.
Variant type: single nucleotide variant.
Coding change: c.110T>A on transcript NM_001211.6 (MANE Select); coding-DNA position 110, T replaced by A.
Protein change: p.Ile37Asn; replaces isoleucine 37 with asparagine.
Molecular consequence: missense variant.
Genome position (GRCh38, 1-based): chr15:40,165,127, T>A. VCF-style: chr15-40165127-T-A. GRCh37 (hg19) VCF-style: chr15-40457328-T-A.
Other names: short protein forms I37N.
Identifiers: ClinVar variation 3703248 (VCV003703248.2).

ClinVar aggregate classification (germline): Uncertain significance (1 of 4 stars; one submission).

Conditions:
Mosaic variegated aneuploidy syndrome 1 (MVA1). Also called: Warburton-Anyane-Yeboa syndrome. Identifiers: Orphanet 1052, MedGen C1850343, MONDO:0009759, OMIM 257300.

gnomAD v4.1: 33 of 1,613,982 alleles (0.002%); highest among the groups gnomAD compares: African/African-American, 0.0027%; no homozygotes.

Submission:

Labcorp Genetics (formerly Invitae), Labcorp
Classification: Uncertain significance for Mosaic variegated aneuploidy syndrome 1. Last evaluated: 2025-11-23. Review status: criteria provided, single submitter. Criteria: Invitae Variant Classification Sherloc (09022015). Collection method: clinical testing. Allele origin: germline.
Comment: This sequence change replaces isoleucine, which is neutral and non-polar, with asparagine, which is neutral and polar, at codon 37 of the BUB1B protein (p.Ile37Asn). This variant is present in population databases (rs753844539, gnomAD 0.007%). This variant has not been reported in the literature in individuals affected with BUB1B-related conditions. ClinVar contains an entry for this variant (Variation ID: 3703248). An algorithm developed to predict the effect of missense changes on protein structure and function (PolyPhen-2) suggests that this variant is likely to be tolerated. In summary, the available evidence is currently insufficient to determine the role of this variant in disease. Therefore, it has been classified as a Variant of Uncertain Significance.